The following is an entry in ClinVar:

NM_012418.4(FSCN2):c.738_739inv (p.Gly247Ser)

Gene: FSCN2 (fascin actin-bundling protein 2, retinal; plus strand). Cytogenetic location: 17q25.3.
Variant type: Inversion.
Coding change: c.738_739inv on transcript NM_012418.4 (MANE Select).
Protein change: p.Gly247Ser; replaces glycine 247 with serine.
Molecular consequence: missense variant.
Genome position: GRCh38 VCF-style: chr17-81529269-TG-CA. GRCh37 (hg19) VCF-style: chr17-79496295-TG-CA.
Other names: c.738_739inv, p.Gly247Ser (NM_001077182.3); short protein forms G247S.
Identifiers: ClinVar variation 1916855 (VCV001916855.5), ClinGen allele CA2580095353.
Genomic context (GRCh38, chr17:81,529,269, plus strand): 5'-CCACTACCTGGCACCCGTGGGGCCCGCAGGCACCCTCAAGGCCGGCCGAAACACGCGACC[TG>CA]GCAAGGATGAGCTCTTTGATCTGGAGGAGAGTCACCCACAGGTGGTGCTGGTGGCTGCCA-3'
Protein context (NP_036550.1, residues 237-257): TLKAGRNTRP[Gly247Ser]KDELFDLEES

ClinVar aggregate classification (germline): Uncertain significance (1 of 4 stars; one submission).

Submission:

Labcorp Genetics (formerly Invitae), Labcorp
Classification: Uncertain significance. Last evaluated: 2022-09-13. Review status: criteria provided, single submitter. Criteria: Invitae Variant Classification Sherloc (09022015). Collection method: clinical testing. Allele origin: germline.
Comment: This sequence change replaces glycine, which is neutral and non-polar, with serine, which is neutral and polar, at codon 247 of the FSCN2 protein (p.Gly247Ser). Information on the frequency of this variant in the gnomAD database is not available, as this variant may be reported differently in the database. This variant has not been reported in the literature in individuals affected with FSCN2-related conditions. Experimental studies and prediction algorithms are not available or were not evaluated, and the functional significance of this variant is currently unknown. In summary, the available evidence is currently insufficient to determine the role of this variant in disease. Therefore, it has been classified as a Variant of Uncertain Significance.